The following is an entry in ClinVar:

NM_003482.4(KMT2D):c.15925C>A (p.Pro5309Thr)

Gene: KMT2D (lysine methyltransferase 2D; minus strand). Cytogenetic location: 12q13.12.
Variant type: single nucleotide variant.
Coding change: c.15925C>A on transcript NM_003482.4 (MANE Select); coding-DNA position 15925, C replaced by A.
Protein change: p.Pro5309Thr; replaces proline 5309 with threonine.
Molecular consequence: missense variant.
Genome position (GRCh38, 1-based): chr12:49,024,705, G>T on the plus strand (C>A on the coding strand, the complement: KMT2D is on the minus strand). VCF-style: chr12-49024705-G-T. GRCh37 (hg19) VCF-style: chr12-49418488-G-T.
Other names: short protein forms P5309T.
Identifiers: ClinVar variation 2005841 (VCV002005841.4), dbSNP rs2137710771, ClinGen allele CA384682239.
Genomic context (GRCh38, chr12:49,024,705, plus strand): 5'-GCTCCATAAGGGGGTGGCGCCCATAGCGGAATAAATAGTTTTGACAGCTCTCCACCCCGG[G>T]CAGCTGTGGGCACAGTTCATACTCACCTTAGCCTGAGTTTTTTTGGGGTTAGGCCAAAGT-3'
Protein context (NP_003473.3, residues 5299-5319): HAVLRIAESL[Pro5309Thr]GVESCQNYLF

ClinVar aggregate classification (germline): Uncertain significance (1 of 4 stars; one submission).

Conditions:
Kabuki syndrome. Also called: NIIKAWA-KUROKI SYNDROME; Kabuki make-up syndrome. Identifiers: Orphanet 2322, MedGen C0796004, MONDO:0016512.

Submission:

Labcorp Genetics (formerly Invitae), Labcorp
Classification: Uncertain significance for Kabuki syndrome. Last evaluated: 2022-06-13. Review status: criteria provided, single submitter. Criteria: Invitae Variant Classification Sherloc (09022015). Collection method: clinical testing. Allele origin: germline.
Comment: In summary, the available evidence is currently insufficient to determine the role of this variant in disease. Therefore, it has been classified as a Variant of Uncertain Significance. Advanced modeling of protein sequence and biophysical properties (such as structural, functional, and spatial information, amino acid conservation, physicochemical variation, residue mobility, and thermodynamic stability) performed at Invitae indicates that this missense variant is expected to disrupt KMT2D protein function. This variant has not been reported in the literature in individuals affected with KMT2D-related conditions. This variant is not present in population databases (gnomAD no frequency). This sequence change replaces proline, which is neutral and non-polar, with threonine, which is neutral and polar, at codon 5309 of the KMT2D protein (p.Pro5309Thr).